The following is an entry in ClinVar:

NM_000186.4(CFH):c.1856A>G (p.Asp619Gly)

Gene: CFH (complement factor H; plus strand). Cytogenetic location: 1q31.3.
Variant type: single nucleotide variant.
Coding change: c.1856A>G on transcript NM_000186.4 (MANE Select); coding-DNA position 1856, A replaced by G.
Protein change: p.Asp619Gly; replaces aspartic acid 619 with glycine.
Molecular consequence: missense variant.
Genome position (GRCh38, 1-based): chr1:196,725,280, A>G. VCF-style: chr1-196725280-A-G. GRCh37 (hg19) VCF-style: chr1-196694410-A-G.
Other names: short protein forms D619G.
Identifiers: ClinVar variation 2968357 (VCV002968357.5), dbSNP rs769701959, ClinGen allele CA1305494.

ClinVar aggregate classification (germline): Uncertain significance. Review status: criteria provided, multiple submitters, no conflicts (2 of 4 stars). 2 submissions from 2 submitters: Uncertain significance (2). Last evaluated 2026-09-17.

Conditions:
Factor H deficiency (CFHD). Also called: COMPLEMENT FACTOR H DEFICIENCY; CFH DEFICIENCY. Identifiers: Orphanet 200421, MedGen C0398777, MONDO:0012350, OMIM 609814.

Allele frequency attached by ClinVar (database versions not stated): TOPMed below 0.00001; ExAC 0.00001; gnomAD 0.00001; gnomAD exomes 0.00002.
gnomAD v4.1: 33 of 1,613,642 alleles (0.002%); highest among the groups gnomAD compares: Non-Finnish European, 0.0027%; no homozygotes.

Submissions (2):

Genomenon, Inc
Classification: Uncertain significance for Factor H deficiency. Last evaluated: 2026-09-17. Review status: criteria provided, single submitter. Criteria: Genomenon Sequence Variant Interpretation Standards - Updated. Collection method: curation. Allele origin: germline. Affected: yes.
Comment: CFH p.Asp619Gly (c.1856A>G) is a missense variant that changes the amino acid at codon 619 from aspartic acid to glycine. This variant has been observed in at least one proband affected with complement factor H deficiency (PMID: 33384694). It is absent or not present at a significant frequency in gnomAD. In silico models predict that this variant is not damaging. In conclusion, we classify CFH p.Asp619Gly (c.1856A>G) as a variant of uncertain significance.

Labcorp Genetics (formerly Invitae), Labcorp
Classification: Uncertain significance. Last evaluated: 2025-07-31. Review status: criteria provided, single submitter. Criteria: Invitae Variant Classification Sherloc (09022015). Collection method: clinical testing. Allele origin: germline.
Comment: This sequence change replaces aspartic acid, which is acidic and polar, with glycine, which is neutral and non-polar, at codon 619 of the CFH protein (p.Asp619Gly). This variant is present in population databases (rs769701959, gnomAD 0.002%). This missense change has been observed in individual(s) with C3 glomerulopathy (PMID: 33384694). ClinVar contains an entry for this variant (Variation ID: 2968357). An algorithm developed to predict the effect of missense changes on protein structure and function outputs the following: PolyPhen-2: "Benign". The glycine amino acid residue is found in multiple mammalian species, which suggests that this missense change does not adversely affect protein function. In summary, the available evidence is currently insufficient to determine the role of this variant in disease. Therefore, it has been classified as a Variant of Uncertain Significance.

Literature cited by the submitters: PubMed 33384694 (cited by Genomenon, Inc and Labcorp Genetics (formerly Invitae), Labcorp).